The following is an entry in ClinVar:

NM_005477.3(HCN4):c.3391A>T (p.Ser1131Cys)

Gene: HCN4 (hyperpolarization activated cyclic nucleotide gated potassium channel 4; minus strand). Cytogenetic location: 15q24.1.
Variant type: single nucleotide variant.
Coding change: c.3391A>T on transcript NM_005477.3 (MANE Select); coding-DNA position 3391, A replaced by T.
Protein change: p.Ser1131Cys; replaces serine 1131 with cysteine.
Molecular consequence: missense variant.
Genome position (GRCh38, 1-based): chr15:73,322,702, T>A on the plus strand (A>T on the coding strand, the complement: HCN4 is on the minus strand). VCF-style: chr15-73322702-T-A. GRCh37 (hg19) VCF-style: chr15-73615043-T-A.
Other names: short protein forms S1131C.
Identifiers: ClinVar variation 2795904 (VCV002795904.3), dbSNP rs2549067908, ClinGen allele CA393085419.

ClinVar aggregate classification (germline): Uncertain significance (1 of 4 stars; one submission).

Conditions:
Brugada syndrome 8 (BRGDA8). Identifiers: Orphanet 130, MedGen C2751083, MONDO:0013148, OMIM 613123.

Submission:

Labcorp Genetics (formerly Invitae), Labcorp
Classification: Uncertain significance for Brugada syndrome 8. Last evaluated: 2022-10-30. Review status: criteria provided, single submitter. Criteria: Invitae Variant Classification Sherloc (09022015). Collection method: clinical testing. Allele origin: germline.
Comment: In summary, the available evidence is currently insufficient to determine the role of this variant in disease. Therefore, it has been classified as a Variant of Uncertain Significance. Advanced modeling of protein sequence and biophysical properties (such as structural, functional, and spatial information, amino acid conservation, physicochemical variation, residue mobility, and thermodynamic stability) performed at Invitae indicates that this missense variant is not expected to disrupt HCN4 protein function. This variant has not been reported in the literature in individuals affected with HCN4-related conditions. This variant is not present in population databases (gnomAD no frequency). This sequence change replaces serine, which is neutral and polar, with cysteine, which is neutral and slightly polar, at codon 1131 of the HCN4 protein (p.Ser1131Cys).